The following is an entry in ClinVar:

NM_001172303.3(MASTL):c.477G>A (p.Pro159=)

Gene: MASTL (microtubule associated serine/threonine kinase like; plus strand). Cytogenetic location: 10p12.1.
Variant type: single nucleotide variant.
Coding change: c.477G>A on transcript NM_001172303.3 (MANE Select); coding-DNA position 477, G replaced by A.
Protein change: p.Pro159=; no amino-acid change (proline 159 retained).
Molecular consequence: synonymous variant. On other transcripts: 5 prime UTR variant (2), non-coding transcript variant (1).
Genome position (GRCh38, 1-based): chr10:27,161,106, G>A. VCF-style: chr10-27161106-G-A. GRCh37 (hg19) VCF-style: chr10-27450035-G-A.
Other names: p.Pro159=; c.477G>A, p.Pro159= (NM_001172304.3, NM_001320756.2, NM_001320757.2 and 1 more transcripts); c.-7G>A (NM_001372029.1, NM_001372030.1).
Identifiers: ClinVar variation 262125 (VCV000262125.12), dbSNP rs56204835, ClinGen allele CA5449986.

ClinVar aggregate classification (germline): Benign/Likely benign. Review status: criteria provided, multiple submitters, no conflicts (2 of 4 stars). 6 submissions from 6 submitters: Benign (4); Likely benign (2). Last evaluated 2024-11-15.

Conditions:
Thrombocytopenia. Identifiers: MedGen C0040034, MeSH D013921, MONDO:0002049, HP:0001873.

Allele frequency attached by ClinVar (database versions not stated): gnomAD exomes 0.00059 and 0.00150; ExAC 0.00180; gnomAD 0.00547 and 0.00583; ESP Exome Variant Server 0.00577; TOPMed 0.00623; 1000 Genomes Project 0.00779; 1000 Genomes Project 30x 0.00890.
gnomAD v4.1: 1,722 of 1,611,822 alleles (0.11%); highest among the groups gnomAD compares: African/African-American, 1.9%; 18 homozygotes.

Submissions (6):

Blueprint Genetics
Classification: Likely benign. Last evaluated: 2024-11-15. Review status: criteria provided, single submitter. Criteria: ACMG Guidelines, 2015. Collection method: clinical testing. Allele origin: germline.

Mayo Clinic Laboratories, Mayo Clinic
Classification: Likely benign. Last evaluated: 2024-06-17. Review status: criteria provided, single submitter. Criteria: ACMG Guidelines, 2015. Collection method: clinical testing. Allele origin: germline. Observed: 12 variant alleles.

Illumina Laboratory Services, Illumina
Classification: Benign for Thrombocytopenia. Last evaluated: 2018-01-13. Review status: criteria provided, single submitter. Criteria: ICSL Variant Classification Criteria 13 December 2019. Collection method: clinical testing. Allele origin: germline.
Comment: This variant was observed in the ICSL laboratory as part of a predisposition screen in an ostensibly healthy population. It had not been previously curated by ICSL or reported in the Human Gene Mutation Database (HGMD: prior to June 1st, 2018), and was therefore a candidate for classification through an automated scoring system. Utilizing variant allele frequency, disease prevalence and penetrance estimates, and inheritance mode, an automated score was calculated to assess if this variant is too frequent to cause the disease. Based on the score and internal cut-off values, a variant classified as benign is not then subjected to further curation. The score for this variant resulted in a classification of benign for this disease.

Labcorp Genetics (formerly Invitae), Labcorp
Classification: Benign. Last evaluated: 2018-01-11. Review status: criteria provided, single submitter. Criteria: Invitae Variant Classification Sherloc (09022015). Collection method: clinical testing. Allele origin: germline.

Breakthrough Genomics
Classification: Benign. Review status: criteria provided, single submitter. Criteria: ACMG Guidelines, 2015. Collection method: not provided. Allele origin: germline. Inheritance: Unknown mechanism. Affected: yes.

PreventionGenetics, part of Exact Sciences
Classification: Benign. Review status: criteria provided, single submitter. Criteria: ACMG Guidelines, 2015. Collection method: clinical testing. Allele origin: germline.